The following is an entry in ClinVar:

ClinVar aggregate classification (germline): Uncertain significance. Review status: criteria provided, multiple submitters, no conflicts (2 of 4 stars). 3 submissions from 3 submitters: Uncertain significance (3). Last evaluated 2024-12-07.

Conditions:
Hereditary cancer-predisposing syndrome. Also called: Tumor predisposition; Neoplastic Syndromes, Hereditary; Hereditary Cancer Syndrome; Hereditary neoplastic syndrome. Identifiers: Orphanet 140162, MedGen C0027672, MeSH D009386, MONDO:0015356.
Ataxia-telangiectasia syndrome (AT). Also called: ATAXIA-TELANGIECTASIA, COMPLEMENTATION GROUP A; ATAXIA-TELANGIECTASIA, FRESNO VARIANT; Ataxia-telangiectasia; Ataxia-telangiectasia, complementation group D; AT, COMPLEMENTATION GROUP C; Ataxia-telangiectasia, complementation group E. Identifiers: Orphanet 100, MedGen C0004135, MONDO:0008840, OMIM 208900.

Allele frequency attached by ClinVar (database versions not stated): TOPMed below 0.00001.

Submissions (3):

Labcorp Genetics (formerly Invitae), Labcorp
Classification: Uncertain significance for Ataxia-telangiectasia syndrome. Last evaluated: 2024-12-07. Review status: criteria provided, single submitter. Criteria: Invitae Variant Classification Sherloc (09022015). Collection method: clinical testing. Allele origin: germline.
Comment: This sequence change replaces glutamine, which is neutral and polar, with proline, which is neutral and non-polar, at codon 2061 of the ATM protein (p.Gln2061Pro). This variant is not present in population databases (gnomAD no frequency). This variant has not been reported in the literature in individuals affected with ATM-related conditions. ClinVar contains an entry for this variant (Variation ID: 826226). Invitae Evidence Modeling of protein sequence and biophysical properties (such as structural, functional, and spatial information, amino acid conservation, physicochemical variation, residue mobility, and thermodynamic stability) indicates that this missense variant is not expected to disrupt ATM protein function with a negative predictive value of 95%. In summary, the available evidence is currently insufficient to determine the role of this variant in disease. Therefore, it has been classified as a Variant of Uncertain Significance.

Ambry Genetics
Classification: Uncertain significance for Hereditary cancer-predisposing syndrome. Last evaluated: 2024-02-02. Review status: criteria provided, single submitter. Criteria: Ambry Variant Classification Scheme 2023. Collection method: clinical testing. Allele origin: germline.
Comment: The p.Q2061P variant (also known as c.6182A>C), located in coding exon 41 of the ATM gene, results from an A to C substitution at nucleotide position 6182. The glutamine at codon 2061 is replaced by proline, an amino acid with similar properties. This amino acid position is highly conserved in available vertebrate species. In addition, the in silico prediction for this alteration is inconclusive. Since supporting evidence is limited at this time, the clinical significance of this alteration remains unclear.

Sema4
Classification: Uncertain significance for Hereditary cancer-predisposing syndrome. Last evaluated: 2021-10-19. Review status: criteria provided, single submitter. Criteria: Sema4 Curation Guidelines. Collection method: curation. Allele origin: germline.
Comment: The ATM c.6182A>C (p.Q2061P) variant has not been reported in the literature to our knowledge. It was not observed in the large and broad cohorts of the Genome Aggregation Database (PMID: 32461654). The variant has been reported in ClinVar (Variation ID 826226). Functional studies have not been performed, and in silico predictions of the variant's effect on protein function are inconclusive. The evidence is insufficient to meet ACMG/AMP criteria for classifying the variant as benign or pathogenic. Thus, the clinical significance of this variant is currently uncertain.

NM_000051.4(ATM):c.6182A>C (p.Gln2061Pro)

Genes: ATM (ATM serine/threonine kinase; plus strand), C11orf65 (chromosome 11 open reading frame 65; minus strand). Cytogenetic location: 11q22.3.
Variant type: single nucleotide variant.
Coding change: c.6182A>C on transcript NM_000051.4 (MANE Select); coding-DNA position 6182, A replaced by C.
Protein change: p.Gln2061Pro; replaces glutamine 2061 with proline.
Molecular consequence: missense variant. On other transcripts: intron variant (2).
Genome position (GRCh38, 1-based): chr11:108,316,097, A>C. VCF-style: chr11-108316097-A-C. GRCh37 (hg19) VCF-style: chr11-108186824-A-C.
Other names: c.6182A>C, p.Gln2061Pro (NM_001351834.2); c.641-7026T>G (NM_001330368.2); c.*39-7026T>G (NM_001351110.2); short protein forms Q2061P.
Identifiers: ClinVar variation 826226 (VCV000826226.13), dbSNP rs1591779456, ClinGen allele CA382550735.